The following is an entry in ClinVar:

ClinVar aggregate classification (germline): Uncertain significance. Review status: criteria provided, multiple submitters, no conflicts (2 of 4 stars). 2 submissions from 2 submitters: Uncertain significance (2). Last evaluated 2024-10-28.

Conditions:
Cardiovascular phenotype. Identifiers: MedGen CN230736.
Charcot-Marie-Tooth disease type 2. Also called: Charcot-Marie-Tooth type 2. Identifiers: Orphanet 64746, MedGen C0270914, MONDO:0018993.

Allele frequency attached by ClinVar (database versions not stated): gnomAD exomes below 0.00001.
gnomAD v4.1: 1 of 1,614,192 alleles (0.000062%); highest among the groups gnomAD compares: Non-Finnish European, 0.000085%; no homozygotes.

Submissions (2):

Ambry Genetics
Classification: Uncertain significance for Cardiovascular phenotype. Last evaluated: 2024-10-28. Review status: criteria provided, single submitter. Criteria: Ambry Variant Classification Scheme 2023. Collection method: clinical testing. Allele origin: germline.
Comment: The p.R240Q variant (also known as c.719G>A), located in coding exon 4 of the LMNA gene, results from a G to A substitution at nucleotide position 719. The arginine at codon 240 is replaced by glutamine, an amino acid with highly similar properties. This amino acid position is not well conserved in available vertebrate species. In addition, the in silico prediction for this alteration is inconclusive. Since supporting evidence is limited at this time, the clinical significance of this alteration remains unclear.

Labcorp Genetics (formerly Invitae), Labcorp
Classification: Uncertain significance for Charcot-Marie-Tooth disease type 2. Last evaluated: 2023-11-19. Review status: criteria provided, single submitter. Criteria: Invitae Variant Classification Sherloc (09022015). Collection method: clinical testing. Allele origin: germline.
Comment: This sequence change replaces arginine, which is basic and polar, with glutamine, which is neutral and polar, at codon 240 of the LMNA protein (p.Arg240Gln). This variant is not present in population databases (gnomAD no frequency). This variant has not been reported in the literature in individuals affected with LMNA-related conditions. ClinVar contains an entry for this variant (Variation ID: 1757625). Advanced modeling of protein sequence and biophysical properties (such as structural, functional, and spatial information, amino acid conservation, physicochemical variation, residue mobility, and thermodynamic stability) performed at Invitae indicates that this missense variant is expected to disrupt LMNA protein function with a positive predictive value of 95%. In summary, the available evidence is currently insufficient to determine the role of this variant in disease. Therefore, it has been classified as a Variant of Uncertain Significance.

NM_170707.4(LMNA):c.719G>A (p.Arg240Gln)

Gene: LMNA (lamin A/C; plus strand). Cytogenetic location: 1q22.
Variant type: single nucleotide variant.
Coding change: c.719G>A on transcript NM_170707.4 (MANE Select); coding-DNA position 719, G replaced by A.
Protein change: p.Arg240Gln; replaces arginine 240 with glutamine.
Molecular consequence: missense variant.
Genome position (GRCh38, 1-based): chr1:156,134,884, G>A. VCF-style: chr1-156134884-G-A. GRCh37 (hg19) VCF-style: chr1-156104675-G-A.
Other names: c.383G>A, p.Arg128Gln (NM_001257374.3, NM_001406989.1, NM_001406998.1); c.476G>A, p.Arg159Gln (NM_001282624.2, NM_001406986.1, NM_001406987.1); c.719G>A, p.Arg240Gln (NM_001282625.2, NM_001282626.2, NM_001406983.1 and 6 more transcripts); c.422G>A, p.Arg141Gln (NM_001406988.1); c.161G>A, p.Arg54Gln (NM_001406990.1, NM_001406993.1, NM_001406995.1 and 4 more transcripts); c.55G>A, p.Gly19Ser (NM_001406994.1, NM_001406999.1, NM_001407000.1 and 1 more transcripts); short protein forms R240Q, R54Q, R159Q, G19S, R141Q, R128Q.
Identifiers: ClinVar variation 1757625 (VCV001757625.6), dbSNP rs1651403033, ClinGen allele CA342817264.